The following is an entry in ClinVar:

ClinVar aggregate classification (germline): Benign. Review status: criteria provided, multiple submitters, no conflicts (2 of 4 stars). 2 submissions from 2 submitters: Benign (2). Last evaluated 2018-01-13.

Conditions:
Primary ciliary dyskinesia 14. Also called: CILIARY DYSKINESIA, PRIMARY, 14, WITH OR WITHOUT SITUS INVERSUS. Identifiers: Orphanet 244, MedGen C3151136, MONDO:0013434, OMIM 613807.

Allele frequency attached by ClinVar (database versions not stated): 1000 Genomes Project 30x 0.03217; TOPMed 0.04161; gnomAD 0.04325 and 0.04130; gnomAD exomes 0.01658; 1000 Genomes Project 0.03135.
gnomAD v4.1: 6,254 of 152,714 alleles (4.1%); highest among the groups gnomAD compares: African/African-American, 7.6%; 205 homozygotes.

Submissions (2):

Illumina Laboratory Services, Illumina
Classification: Benign for Primary ciliary dyskinesia 14. Last evaluated: 2018-01-13. Review status: criteria provided, single submitter. Criteria: ICSL Variant Classification Criteria 13 December 2019. Collection method: clinical testing. Allele origin: germline.
Comment: This variant was observed in the ICSL laboratory as part of a predisposition screen in an ostensibly healthy population. It had not been previously curated by ICSL or reported in the Human Gene Mutation Database (HGMD: prior to June 1st, 2018), and was therefore a candidate for classification through an automated scoring system. Utilizing variant allele frequency, disease prevalence and penetrance estimates, and inheritance mode, an automated score was calculated to assess if this variant is too frequent to cause the disease. Based on the score and internal cut-off values, a variant classified as benign is not then subjected to further curation. The score for this variant resulted in a classification of benign for this disease.

Breakthrough Genomics
Classification: Benign. Review status: criteria provided, single submitter. Criteria: ACMG Guidelines, 2015. Collection method: not provided. Allele origin: germline. Inheritance: Autosomal recessive inheritance. Affected: yes.

NM_181426.2(CCDC39):c.*499A>C

Genes: TTC14 (tetratricopeptide repeat domain 14; plus strand), CCDC39 (coiled-coil domain 39 molecular ruler complex subunit; minus strand). Cytogenetic location: 3q26.33.
Variant type: single nucleotide variant.
Coding change: c.*499A>C on transcript NM_181426.2 (MANE Select); 499 bases downstream of the stop codon, A replaced by C.
Molecular consequence: 3 prime UTR variant. On other transcripts: intron variant (1).
Genome position (GRCh38, 1-based): chr3:180,614,422, T>G on the plus strand (A>C on the coding strand, the complement: CCDC39 is on the minus strand). VCF-style: chr3-180614422-T-G. GRCh37 (hg19) VCF-style: chr3-180332210-T-G.
Other names: c.1775-2958T>G (NM_001288582.2).
Identifiers: ClinVar variation 344250 (VCV000344250.8), dbSNP rs59016311, ClinGen allele CA10615851.